The following is an entry in ClinVar:

NM_024675.4(PALB2):c.1959_1971del (p.Cys653fs)

Gene: PALB2 (partner and localizer of BRCA2; minus strand). Cytogenetic location: 16p12.2.
Variant type: Deletion.
Coding change: c.1959_1971del on transcript NM_024675.4 (MANE Select); coding-DNA positions 1959 to 1971, 13 bases deleted (TATTTTTCCAGAG).
Protein change: p.Cys653fs; shifts the reading frame from cysteine 653.
Molecular consequence: frameshift variant. On other transcripts: intron variant (1).
Genome position (GRCh38, 1-based): chr16:23,630,183-23,630,195, CTCTGGAAAAATA deleted on the plus strand (TATTTTTCCAGAG on the coding strand, the reverse complement: PALB2 is on the minus strand); deleting any 13 consecutive bases within chr16:23,630,183-23,630,196 gives the same sequence; the c. name uses the placement nearest the transcript's 3' end. VCF-style (leftmost placement, unchanged base first): chr16-23630182-CCTCTGGAAAAATA-C. GRCh37 (hg19) VCF-style: chr16-23641503-CCTCTGGAAAAATA-C.
Other names: c.1074_1086del, p.Cys358fs (NM_001407307.1, NM_001407308.1, NM_001407309.1 and 5 more transcripts); c.171_183del, p.Cys57fs (NM_001407312.1, NM_001407313.1); c.49-920_49-908del (NM_001407314.1); c.1899_1911del, p.Cys633fs (NM_001407296.1); c.1959_1971del, p.Cys653fs (NM_001407297.1, NM_001407298.1, NM_001407299.1 and 3 more transcripts); short protein forms C358fs, C57fs, C633fs, C653fs.
Identifiers: ClinVar variation 4886403 (VCV004886403.2).

ClinVar aggregate classification (germline): Pathogenic (1 of 4 stars; one submission).

Conditions:
Breast-ovarian cancer, familial, susceptibility to, 5 (BROVCA5). Identifiers: MedGen C5830615, MONDO:0957530, OMIM 620442.

Submission:

Dasa
Classification: Pathogenic for Breast-ovarian cancer, familial, susceptibility to, 5. Last evaluated: 2024-11-26. Review status: criteria provided, single submitter. Criteria: DASA Assertion Criteria. Collection method: clinical testing. Allele origin: germline.
Comment: NM_024675.4(PALB2):c.1959_1971del (p.Cys653Trpfs*3) is a frameshift variant in PALB2 predicted to alter the reading frame and introduce a premature termination codon and is predicted to result in an absent or altered protein product. Loss of function is an established disease mechanism for PALB2 (PMID: 17200668; PMID: 25099575; PMID: 31841383). The affected residue or protein region has prior evidence supporting clinical relevance. Also, this variant is absent from population databases. Based on the currently available evidence, this variant is classified as pathogenic.

Literature cited by the submitters: PubMed 17200668; PubMed 25099575; PubMed 31841383.